The following is an entry in ClinVar:

NM_001184.4(ATR):c.4658T>G (p.Met1553Arg)

Gene: ATR (ATR checkpoint kinase; minus strand). Cytogenetic location: 3q23.
Variant type: single nucleotide variant.
Coding change: c.4658T>G on transcript NM_001184.4 (MANE Select); coding-DNA position 4658, T replaced by G.
Protein change: p.Met1553Arg; replaces methionine 1553 with arginine.
Molecular consequence: missense variant.
Genome position (GRCh38, 1-based): chr3:142,512,454, A>C on the plus strand (T>G on the coding strand, the complement: ATR is on the minus strand). VCF-style: chr3-142512454-A-C. GRCh37 (hg19) VCF-style: chr3-142231296-A-C.
Other names: c.4466T>G, p.Met1489Arg (NM_001354579.2); short protein forms M1489R, M1553R.
Identifiers: ClinVar variation 2453539 (VCV002453539.2), dbSNP rs2108372609, ClinGen allele CA354795888.

ClinVar aggregate classification (germline): Uncertain significance (1 of 4 stars; one submission).

Conditions:
Inborn genetic diseases. Identifiers: MedGen C0950123, MeSH D030342.

Submission:

Ambry Genetics
Classification: Uncertain significance for Inborn genetic diseases. Last evaluated: 2022-11-30. Review status: criteria provided, single submitter. Criteria: Ambry Variant Classification Scheme 2023. Collection method: clinical testing. Allele origin: germline.
Comment: The p.M1553R variant (also known as c.4658T>G), located in coding exon 27 of the ATR gene, results from a T to G substitution at nucleotide position 4658. The methionine at codon 1553 is replaced by arginine, an amino acid with similar properties. This amino acid position is conserved. In addition, the in silico prediction for this alteration is inconclusive. Since supporting evidence is limited at this time, the clinical significance of this alteration remains unclear.